The following is an entry in ClinVar:

ClinVar aggregate classification (germline): Conflicting classifications of pathogenicity. Review status: criteria provided, conflicting classifications (1 of 4 stars). 6 submissions from 6 submitters: Uncertain significance (3); Benign (1); Likely benign (2). Last evaluated 2026-01-11.

Conditions:
Lymphangiomyomatosis (LAM). Also called: Lymphangioleiomyomatosis; Lymphangioleiomyomatosis, somatic. Identifiers: Orphanet 538, MedGen C0751674, MONDO:0011705, OMIM 606690.
Isolated focal cortical dysplasia type II (FCORD2). Also called: CORTICAL DYSPLASIA OF TAYLOR; Focal cortical dysplasia type II. Identifiers: Orphanet 268994, MedGen C1846385, MONDO:0011818, OMIM 607341, HP:0032051.
Tuberous sclerosis 2 (TSC2). Identifiers: Orphanet 805, MedGen C1860707, MONDO:0013199, OMIM 613254.
Hereditary cancer-predisposing syndrome. Also called: Neoplastic Syndromes, Hereditary; Hereditary Cancer Syndrome; Tumor predisposition; Hereditary neoplastic syndrome. Identifiers: Orphanet 140162, MedGen C0027672, MeSH D009386, MONDO:0015356.
Tuberous sclerosis syndrome (TSC). Also called: Tuberous Sclerosis Complex; Tuberous sclerosis. Identifiers: Orphanet 805, MedGen C0041341, MONDO:0001734.

Allele frequency attached by ClinVar (database versions not stated): gnomAD 0.00001 and 0.00002; gnomAD exomes 0.00001; ExAC 0.00002; TOPMed 0.00003; ESP Exome Variant Server 0.00008.
gnomAD v4.1: 13 of 1,607,372 alleles (0.00081%); highest among the groups gnomAD compares: Admixed American, 0.0067%; no homozygotes.

Submissions (6):

Labcorp Genetics (formerly Invitae), Labcorp
Classification: Benign for Tuberous sclerosis 2. Last evaluated: 2026-01-11. Review status: criteria provided, single submitter. Criteria: Invitae Variant Classification Sherloc (09022015). Collection method: clinical testing. Allele origin: germline.

Ambry Genetics
Classification: Likely benign for Hereditary cancer-predisposing syndrome. Last evaluated: 2025-12-09. Review status: criteria provided, single submitter. Criteria: Ambry Variant Classification Scheme 2023. Collection method: clinical testing. Allele origin: germline.

Fulgent Genetics
Classification: Uncertain significance for Lymphangiomyomatosis; Isolated focal cortical dysplasia type II; Tuberous sclerosis 2. Last evaluated: 2024-05-02. Review status: criteria provided, single submitter. Criteria: ACMG Guidelines, 2015. Collection method: clinical testing. Allele origin: germline.

GeneDx
Classification: Uncertain significance. Last evaluated: 2023-07-31. Review status: criteria provided, single submitter. Criteria: GeneDx Variant Classification Process June 2021. Collection method: clinical testing. Allele origin: germline. Affected: yes.
Comment: In silico analysis supports that this missense variant has a deleterious effect on protein structure/function; Has not been previously published as pathogenic or benign to our knowledge

Color Diagnostics, LLC DBA Color Health
Classification: Likely benign for Tuberous sclerosis syndrome. Last evaluated: 2022-09-20. Review status: criteria provided, single submitter. Criteria: ACMG Guidelines, 2015. Collection method: clinical testing. Allele origin: germline.

Genome-Nilou Lab
Classification: Uncertain significance for Tuberous sclerosis 2. Last evaluated: 2021-11-07. Review status: criteria provided, single submitter. Criteria: ACMG Guidelines, 2015. Collection method: clinical testing. Allele origin: germline. Affected: no.

NM_000548.5(TSC2):c.1610G>A (p.Arg537His)

Gene: TSC2 (TSC complex subunit 2; plus strand). Cytogenetic location: 16p13.3.
Variant type: single nucleotide variant.
Coding change: c.1610G>A on transcript NM_000548.5 (MANE Select); coding-DNA position 1610, G replaced by A.
Protein change: p.Arg537His; replaces arginine 537 with histidine.
Molecular consequence: missense variant.
Genome position (GRCh38, 1-based): chr16:2,065,529, G>A. VCF-style: chr16-2065529-G-A. GRCh37 (hg19) VCF-style: chr16-2115530-G-A.
Other names: p.R537H:CGC>CAC; c.1610G>A, p.Arg537His (NM_001077183.3, NM_001114382.3, NM_001363528.2 and 3 more transcripts); c.1499G>A, p.Arg500His (NM_001318827.2); c.1463G>A, p.Arg488His (NM_001318829.2); c.1010G>A, p.Arg337His (NM_001318831.2); c.1643G>A, p.Arg548His (NM_001318832.2); short protein forms R537H, R548H, R488H, R337H, R500H.
Identifiers: ClinVar variation 207719 (VCV000207719.26), dbSNP rs372681603, ClinGen allele CA031730.